The following is an entry in ClinVar:

NM_017886.4(ULK4):c.2530T>A (p.Leu844Met)

Gene: ULK4 (unc-51 like kinase 4; minus strand). Cytogenetic location: 3p22.1.
Variant type: single nucleotide variant.
Coding change: c.2530T>A on transcript NM_017886.4 (MANE Select); coding-DNA position 2530, T replaced by A.
Protein change: p.Leu844Met; replaces leucine 844 with methionine.
Molecular consequence: missense variant. On other transcripts: non-coding transcript variant (1).
Genome position (GRCh38, 1-based): chr3:41,715,494, A>T on the plus strand (T>A on the coding strand, the complement: ULK4 is on the minus strand). VCF-style: chr3-41715494-A-T. GRCh37 (hg19) VCF-style: chr3-41756986-A-T.
Other names: c.2530T>A, p.Leu844Met (NM_001322500.2); c.1624T>A, p.Leu542Met (NM_001322501.2); short protein forms L542M, L844M.
Identifiers: ClinVar variation 3059926 (VCV003059926.2), dbSNP rs61744385, ClinGen allele CA2331854.
Genomic context (GRCh38, chr3:41,715,494, plus strand): 5'-AATACAATAGTACCTGTGAAGTTACGAGGTGAAGCACTACAGGCATCAGGGGGAGACACA[A>T]CTTCAGCTGTTTCACTTGAACTGTTGATGGGTGTTTACGTCCAGAAACATTAGCCAAGGA-3'
Protein context (NP_060356.2, residues 834-854): PSTVQVKQLK[Leu844Met]CLPLMPVVLH

ClinVar aggregate classification (germline): Benign (0 of 4 stars; one submission).

Conditions:
ULK4-related disorder. Also called: ULK4-related condition.

Allele frequency attached by ClinVar (database versions not stated): gnomAD exomes 0.17533; ExAC 0.19752; 1000 Genomes Project 0.26558; ESP Exome Variant Server 0.26568; gnomAD 0.26574; 1000 Genomes Project 30x 0.26577; TOPMed 0.27307.
gnomAD v4.1: 297,937 of 1,613,282 alleles (18%); highest among the groups gnomAD compares: African/African-American, 50%; 32,107 homozygotes.

Submission:

PreventionGenetics, part of Exact Sciences
Classification: Benign for ULK4-related condition. Last evaluated: 2019-10-21. Review status: no assertion criteria provided. Collection method: clinical testing. Allele origin: germline.
Comment: This variant is classified as benign based on ACMG/AMP sequence variant interpretation guidelines (Richards et al. 2015 PMID: 25741868, with internal and published modifications).